The following is an entry in ClinVar:

ClinVar aggregate classification (germline): Uncertain significance. Review status: criteria provided, multiple submitters, no conflicts (2 of 4 stars). 3 submissions from 3 submitters: Uncertain significance (3). Last evaluated 2024-08-29.

Conditions:
Autosomal dominant familial hematuria-retinal arteriolar tortuosity-contractures syndrome. Also called: Hereditary Angiopathy with Nephropathy, Aneurysms, and Muscle Cramps (HANAC) Syndrome; Angiopathy, hereditary, with nephropathy, aneurysms, and muscle cramps. Identifiers: Orphanet 73229, MedGen C2673195, MONDO:0012726, OMIM 611773.
Inborn genetic diseases. Identifiers: MedGen C0950123, MeSH D030342.

Allele frequency attached by ClinVar (database versions not stated): gnomAD exomes below 0.00001; TOPMed 0.00001.
gnomAD v4.1: 4 of 1,614,150 alleles (0.00025%); highest among the groups gnomAD compares: Non-Finnish European, 0.00034%; no homozygotes.

Submissions (3):

Labcorp Genetics (formerly Invitae), Labcorp
Classification: Uncertain significance. Last evaluated: 2024-08-29. Review status: criteria provided, single submitter. Criteria: Invitae Variant Classification Sherloc (09022015). Collection method: clinical testing. Allele origin: germline.
Comment: This sequence change replaces phenylalanine, which is neutral and non-polar, with tyrosine, which is neutral and polar, at codon 1642 of the COL4A1 protein (p.Phe1642Tyr). This variant is present in population databases (no rsID available, gnomAD 0.0009%). This variant has not been reported in the literature in individuals affected with COL4A1-related conditions. ClinVar contains an entry for this variant (Variation ID: 1678582). Experimental studies and prediction algorithms are not available or were not evaluated, and the functional significance of this variant is currently unknown. In summary, the available evidence is currently insufficient to determine the role of this variant in disease. Therefore, it has been classified as a Variant of Uncertain Significance.

Ambry Genetics
Classification: Uncertain significance for Inborn genetic diseases. Last evaluated: 2024-03-25. Review status: criteria provided, single submitter. Criteria: Ambry Variant Classification Scheme 2023. Collection method: clinical testing. Allele origin: germline.

Molecular Genetics, Royal Melbourne Hospital
Classification: Uncertain significance for Autosomal dominant familial hematuria-retinal arteriolar tortuosity-contractures syndrome. Last evaluated: 2020-11-30. Review status: criteria provided, single submitter. Criteria: ACMG Guidelines, 2015. Collection method: clinical testing. Allele origin: germline. Affected: yes.
Comment: This sequence change is predicted to replace phenylalanine with tyrosine at codon 1642 of the COL4A1 protein (p.(Phe1642Tyr)). The phenylalanine residue is invariant across species (100 vertebrates, UCSC), and is located in the collagen IV NC1 domain. There is a small physicochemical difference between phenylalanine and tyrosine. The variant is present in a single individual in a large population cohort (rs1271389791, 1/251,354 alleles, 0 homozygotes in gnomAD v2.1), and has not been reported in the relevant medical literature or databases. Multiple lines of computational evidence predict a deleterious effect for the missense substitution (6/6 algorithms). Based on the classification scheme RMH ACMG Guidelines v1.2.1, this variant is classified as a VARIANT OF UNCERTAIN SIGNIFICANCE. Following criteria are met: PM2, PP3.

NM_001845.6(COL4A1):c.4925T>A (p.Phe1642Tyr)

Gene: COL4A1 (collagen type IV alpha 1 chain; minus strand). Cytogenetic location: 13q34.
Variant type: single nucleotide variant.
Coding change: c.4925T>A on transcript NM_001845.6 (MANE Select); coding-DNA position 4925, T replaced by A.
Protein change: p.Phe1642Tyr; replaces phenylalanine 1642 with tyrosine.
Molecular consequence: missense variant.
Genome position (GRCh38, 1-based): chr13:110,152,337, A>T on the plus strand (T>A on the coding strand, the complement: COL4A1 is on the minus strand). VCF-style: chr13-110152337-A-T. GRCh37 (hg19) VCF-style: chr13-110804684-A-T.
Other names: c.4925T>A (NM_001845.4); short protein forms F1642Y.
Identifiers: ClinVar variation 1678582 (VCV001678582.5), dbSNP rs1271389791, ClinGen allele CA388654023.